The following is an entry in ClinVar:

ClinVar aggregate classification (germline): Uncertain significance (1 of 4 stars; one submission).

Conditions:
Brugada syndrome 5 (BRGDA5). Identifiers: Orphanet 130, Orphanet 871, MedGen C2748541, MONDO:0013015, OMIM 612838.

Allele frequency attached by ClinVar (database versions not stated): TOPMed 0.00002.

Submission:

Labcorp Genetics (formerly Invitae), Labcorp
Classification: Uncertain significance for Brugada syndrome 5. Last evaluated: 2025-01-06. Review status: criteria provided, single submitter. Criteria: Invitae Variant Classification Sherloc (09022015). Collection method: clinical testing. Allele origin: germline.
Comment: This sequence change replaces alanine, which is neutral and non-polar, with proline, which is neutral and non-polar, at codon 6 of the SCN1B protein (p.Ala6Pro). This variant is not present in population databases (gnomAD no frequency). This variant has not been reported in the literature in individuals affected with SCN1B-related conditions. ClinVar contains an entry for this variant (Variation ID: 941917). Experimental studies and prediction algorithms are not available or were not evaluated, and the functional significance of this variant is currently unknown. In summary, the available evidence is currently insufficient to determine the role of this variant in disease. Therefore, it has been classified as a Variant of Uncertain Significance.

NM_001037.5(SCN1B):c.16G>C (p.Ala6Pro)

Gene: SCN1B (sodium voltage-gated channel beta subunit 1; plus strand). Cytogenetic location: 19q13.11.
Variant type: single nucleotide variant.
Coding change: c.16G>C on transcript NM_001037.5 (MANE Select); coding-DNA position 16, G replaced by C.
Protein change: p.Ala6Pro; replaces alanine 6 with proline.
Molecular consequence: missense variant.
Genome position (GRCh38, 1-based): chr19:35,030,836, G>C. VCF-style: chr19-35030836-G-C. GRCh37 (hg19) VCF-style: chr19-35521740-G-C.
Other names: c.16G>C, p.Ala6Pro (NM_199037.5); short protein forms A6P.
Identifiers: ClinVar variation 941917 (VCV000941917.9), dbSNP rs1308862852, ClinGen allele CA405327810.
Genomic context (GRCh38, chr19:35,030,836, plus strand): 5'-AATACCGGCGGCCCGGGAGGGGGGCGCAGCACGCGCCGCGCAGCCATGGGGAGGCTGCTG[G>C]CCTTAGTGGTCGGCGCGGCACTGGGTGAGTGCGCGGGGGGCGCGCGCGGCCGGGGGGCAC-3'
Protein context (NP_001028.1, residues 1-16): MGRLL[Ala6Pro]LVVGAALVSS